The following is an entry in ClinVar:

ClinVar aggregate classification (germline): Uncertain significance. Review status: criteria provided, multiple submitters, no conflicts (2 of 4 stars). 3 submissions from 3 submitters: Uncertain significance (3). Last evaluated 2023-04-11.

Conditions:
Inborn genetic diseases. Identifiers: MedGen C0950123, MeSH D030342.
Developmental and epileptic encephalopathy, 18 (DEE18). Also called: Early infantile epileptic encephalopathy 18. Identifiers: Orphanet 369894, MedGen C3809624, MONDO:0014201, OMIM 615476.

Allele frequency attached by ClinVar (database versions not stated): gnomAD 0.00002.
gnomAD v4.1: 13 of 1,613,434 alleles (0.00081%); highest among the groups gnomAD compares: East Asian, 0.027%; no homozygotes.

Submissions (3):

Genome-Nilou Lab
Classification: Uncertain significance for Developmental and epileptic encephalopathy, 18. Last evaluated: 2023-04-11. Review status: criteria provided, single submitter. Criteria: ACMG Guidelines, 2015. Collection method: clinical testing. Allele origin: germline. Affected: no.

Ambry Genetics
Classification: Uncertain significance for Inborn genetic diseases. Last evaluated: 2023-03-22. Review status: criteria provided, single submitter. Criteria: Ambry Variant Classification Scheme 2023. Collection method: clinical testing. Allele origin: germline.

Labcorp Genetics (formerly Invitae), Labcorp
Classification: Uncertain significance. Last evaluated: 2022-06-15. Review status: criteria provided, single submitter. Criteria: Invitae Variant Classification Sherloc (09022015). Collection method: clinical testing. Allele origin: germline.
Comment: In summary, the available evidence is currently insufficient to determine the role of this variant in disease. Therefore, it has been classified as a Variant of Uncertain Significance. Algorithms developed to predict the effect of missense changes on protein structure and function (SIFT, PolyPhen-2, Align-GVGD) all suggest that this variant is likely to be tolerated. This variant has not been reported in the literature in individuals affected with SZT2-related conditions. This variant is present in population databases (rs775594426, gnomAD 0.05%). This sequence change replaces isoleucine, which is neutral and non-polar, with phenylalanine, which is neutral and non-polar, at codon 159 of the SZT2 protein (p.Ile159Phe).

NM_001365999.1(SZT2):c.475A>T (p.Ile159Phe)

Gene: SZT2 (SZT2 subunit of KICSTOR complex; plus strand). Cytogenetic location: 1p34.2.
Variant type: single nucleotide variant.
Coding change: c.475A>T on transcript NM_001365999.1 (MANE Select); coding-DNA position 475, A replaced by T.
Protein change: p.Ile159Phe; replaces isoleucine 159 with phenylalanine.
Molecular consequence: missense variant.
Genome position (GRCh38, 1-based): chr1:43,404,527, A>T. VCF-style: chr1-43404527-A-T. GRCh37 (hg19) VCF-style: chr1-43870198-A-T.
Other names: c.475A>T, p.Ile159Phe (NM_015284.4); c.475A>T (NM_015284.3); short protein forms I159F.
Identifiers: ClinVar variation 2186856 (VCV002186856.7), dbSNP rs775594426, ClinGen allele CA808175.
Genomic context (GRCh38, chr1:43,404,527, plus strand): 5'-CCTGGATCTTGCATCGACTTCCAGCCTGAGATCTATGTAACTATCCAGGCCTACTCCTCC[A>T]TCATTGGACTGCAGTCCCACCAGGTATTGCATCATCTCTCCAAGTTTGTACCCTCAGACC-3'
Protein context (NP_001352928.1, residues 149-169): IYVTIQAYSS[Ile159Phe]IGLQSHQVLV